The following is an entry in ClinVar:

NM_173076.3(ABCA12):c.3416T>C (p.Leu1139Pro)

Gene: ABCA12 (ATP binding cassette subfamily A member 12; minus strand). Cytogenetic location: 2q35.
Variant type: single nucleotide variant.
Coding change: c.3416T>C on transcript NM_173076.3 (MANE Select); coding-DNA position 3416, T replaced by C.
Protein change: p.Leu1139Pro; replaces leucine 1139 with proline.
Molecular consequence: missense variant. On other transcripts: non-coding transcript variant (1).
Genome position (GRCh38, 1-based): chr2:214,990,910, A>G on the plus strand (T>C on the coding strand, the complement: ABCA12 is on the minus strand). VCF-style: chr2-214990910-A-G. GRCh37 (hg19) VCF-style: chr2-215855634-A-G.
Other names: c.2462T>C, p.Leu821Pro (NM_015657.4); short protein forms L1139P, L821P.
Identifiers: ClinVar variation 1699161 (VCV001699161.3), dbSNP rs2105976738, ClinGen allele CA350469251.

ClinVar aggregate classification (germline): Uncertain significance (1 of 4 stars; one submission).

Conditions:
Autosomal recessive congenital ichthyosis 4A (LI2). Also called: ICHTHYOSIS CONGENITA IIB. Identifiers: Orphanet 313, MedGen C1832550, MONDO:0011026, OMIM 601277.

Allele frequency attached by ClinVar (database versions not stated): gnomAD exomes below 0.00001.
gnomAD v4.1: 3 of 1,614,108 alleles (0.00019%); highest among the groups gnomAD compares: Non-Finnish European, 0.00025%; no homozygotes.

Submission:

Victorian Clinical Genetics Services, Murdoch Childrens Research Institute
Classification: Uncertain significance for Autosomal recessive congenital ichthyosis 4A. Last evaluated: 2022-02-02. Review status: criteria provided, single submitter. Criteria: ACMG Guidelines, 2015. Collection method: clinical testing. Allele origin: germline. Inheritance: Autosomal recessive inheritance. Affected: yes.
Comment: Based on the classification scheme VCGS_Germline_v1.3.4, this variant is classified as VUS-3A. Following criteria are met: 0102 - Loss of function is a known mechanism of disease in this gene and is associated with congenital ichthyosis 4A (MIM#601277) and congenital ichthyosis 4B (harlequin) (MIM#242500). (I) 0106 - This gene is associated with autosomal recessive disease. (I) 0200 - Variant is predicted to result in a missense amino acid change from leucine to proline. (I) 0251 - This variant is heterozygous. (I) 0301 - Variant is absent from gnomAD (both v2 and v3). (SP) 0501 - Missense variant consistently predicted to be damaging by multiple in silico tools or highly conserved with a major amino acid change. (SP) 0600 - Variant is located in the annotated ABC-2 family transporter domain (Decipher). (I) 0705 - No comparable missense variants have previous evidence for pathogenicity. (I) 0807 - This variant has no previous evidence of pathogenicity. (I) 0905 - No published segregation evidence has been identified for this variant. (I) 1007 - No published functional evidence has been identified for this variant. (I) 1102 - Strong phenotype match for this individual. (SP) 1208 - Inheritance information for this variant is not currently available in this individual. (I) Legend: (SP) - Supporting pathogenic, (I) - Information, (SB) - Supporting benign